The following is an entry in ClinVar:

NM_001267550.2(TTN):c.106302C>G (p.Asp35434Glu)

Genes: TTN (titin; minus strand), TTN-AS1 (TTN antisense RNA 1; plus strand). Cytogenetic location: 2q31.2.
Variant type: single nucleotide variant.
Coding change: c.106302C>G on transcript NM_001267550.2 (MANE Select); coding-DNA position 106302, C replaced by G.
Protein change: p.Asp35434Glu; replaces aspartic acid 35434 with glutamic acid.
Molecular consequence: missense variant.
Genome position (GRCh38, 1-based): chr2:178,530,313, G>C on the plus strand (C>G on the coding strand, the complement: TTN is on the minus strand). VCF-style: chr2-178530313-G-C. GRCh37 (hg19) VCF-style: chr2-179395040-G-C.
Other names: c.101379C>G, p.Asp33793Glu (NM_001256850.1); c.79107C>G, p.Asp26369Glu (NM_003319.4); c.98598C>G, p.Asp32866Glu (NM_133378.4); c.79482C>G, p.Asp26494Glu (NM_133432.3); c.79683C>G, p.Asp26561Glu (NM_133437.4); short protein forms D26561E, D33793E, D35434E, D26369E, D26494E, D32866E.
Identifiers: ClinVar variation 2016398 (VCV002016398.4), dbSNP rs1371891927, ClinGen allele CA349406230.
Genomic context (GRCh38, chr2:178,530,313, plus strand): 5'-TGTCCAGATGGCAGTTGGCCGGGGTTCTCCAGTAGCCTTAACTGCAAATTTAGCAACACT[G>C]TCTGAAGAAACAGTTGTATCCTGCAACCCAGTAACAATTACTGGTTTTGAGGAAATTGGT-3'
Protein context (NP_001254479.2, residues 35424-35444): TGLQDTTVSS[Asp35434Glu]SVAKFAVKAT

ClinVar aggregate classification (germline): Uncertain significance (1 of 4 stars; one submission).

Conditions:
Autosomal recessive limb-girdle muscular dystrophy type 2J (LGMDR10). Also called: Limb-girdle muscular dystrophy, type 2J; MUSCULAR DYSTROPHY, LIMB-GIRDLE, AUTOSOMAL RECESSIVE 10. Identifiers: Orphanet 140922, MedGen C1837342, MONDO:0012127, OMIM 608807.
Dilated cardiomyopathy 1G (CMD1G). Identifiers: Orphanet 154, MedGen C1858763, MONDO:0011400, OMIM 604145.

Allele frequency attached by ClinVar (database versions not stated): gnomAD 0.00001.
gnomAD v4.1: 1 of 1,613,774 alleles (0.000062%); highest among the groups gnomAD compares: African/African-American, 0.0013%; no homozygotes.

Submission:

Labcorp Genetics (formerly Invitae), Labcorp
Classification: Uncertain significance for Dilated cardiomyopathy 1G; Autosomal recessive limb-girdle muscular dystrophy type 2J. Last evaluated: 2022-07-15. Review status: criteria provided, single submitter. Criteria: Invitae Variant Classification Sherloc (09022015). Collection method: clinical testing. Allele origin: germline.
Comment: This sequence change replaces aspartic acid, which is acidic and polar, with glutamic acid, which is acidic and polar, at codon 35434 of the TTN protein (p.Asp35434Glu). This variant is present in population databases (no rsID available, gnomAD 0.01%). This variant has not been reported in the literature in individuals affected with TTN-related conditions. Algorithms developed to predict the effect of missense changes on protein structure and function output the following: SIFT: "Not Available"; PolyPhen-2: "Not Available"; Align-GVGD: "Not Available". The glutamic acid amino acid residue is found in multiple mammalian species, which suggests that this missense change does not adversely affect protein function. In summary, the available evidence is currently insufficient to determine the role of this variant in disease. Therefore, it has been classified as a Variant of Uncertain Significance. This variant is located in the M band of TTN (PMID: 25589632). Variants in this region may be relevant for neuromuscular disorders, but have not been definitively shown to cause cardiomyopathy (PMID: 23975875).

Literature cited by the submitters: PubMed 25589632; PubMed 23975875.